The following is an entry in ClinVar:

NM_001035.3(RYR2):c.9068-259_9068-258del

Gene: RYR2 (ryanodine receptor 2; plus strand). Cytogenetic location: 1q43.
Variant type: Deletion.
Coding change: c.9068-259_9068-258del on transcript NM_001035.3 (MANE Select); 259 bases into the intron before coding-DNA position 9068 through 258 bases into the intron before coding-DNA position 9068, 2 bases deleted (TT; older notation c.9068-259_9068-258delTT).
Molecular consequence: intron variant.
Genome position (GRCh38, 1-based): chr1:237,698,706-237,698,707, TT deleted; deleting any 2 consecutive bases within chr1:237,698,704-237,698,707 gives the same sequence; the c. name uses the placement nearest the transcript's 3' end. VCF-style (leftmost placement, unchanged base first): chr1-237698703-CTT-C. GRCh37 (hg19) VCF-style: chr1-237862003-CTT-C.
Identifiers: ClinVar variation 669727 (VCV000669727.1), dbSNP rs56069323, ClinGen allele CA39833504.

ClinVar aggregate classification (germline): Benign (1 of 4 stars; one submission).

Submission:

GeneDx
Classification: Benign. Last evaluated: 2018-06-14. Review status: criteria provided, single submitter. Criteria: GeneDx Variant Classification (06012015). Collection method: clinical testing. Allele origin: germline. Affected: yes.
Comment: This variant is considered likely benign or benign based on one or more of the following criteria: it is a conservative change, it occurs at a poorly conserved position in the protein, it is predicted to be benign by multiple in silico algorithms, and/or has population frequency not consistent with disease.